The following is an entry in ClinVar:

ClinVar aggregate classification (germline): Uncertain significance (1 of 4 stars; one submission).

Allele frequency attached by ClinVar (database versions not stated): gnomAD exomes 0.00001 and 0.00002; gnomAD 0.00003 and 0.00004; TOPMed 0.00004.
gnomAD v4.1: 38 of 1,613,410 alleles (0.0024%); highest among the groups gnomAD compares: Non-Finnish European, 0.003%; no homozygotes.

Submission:

Labcorp Genetics (formerly Invitae), Labcorp
Classification: Uncertain significance. Last evaluated: 2017-08-22. Review status: criteria provided, single submitter. Criteria: Invitae Variant Classification Sherloc (09022015). Collection method: clinical testing. Allele origin: germline.
Comment: This sequence change replaces asparagine with aspartic acid at codon 190 of the MYT1L protein (p.Asn190Asp). The asparagine residue is highly conserved and there is a small physicochemical difference between asparagine and aspartic acid. This variant is not present in population databases (ExAC no frequency). This variant has not been reported in the literature in individuals with MYT1L-related disease. Algorithms developed to predict the effect of missense changes on protein structure and function do not agree on the potential impact of this missense change (SIFT: "Deleterious"; PolyPhen-2: "Probably Damaging"; Align-GVGD: "Class C0"). In summary, the available evidence is currently insufficient to determine the role of this variant in disease. Therefore, it has been classified as a Variant of Uncertain Significance.

NM_001303052.2(MYT1L):c.568A>G (p.Asn190Asp)

Gene: MYT1L (myelin transcription factor 1 like; minus strand). Cytogenetic location: 2p25.3.
Variant type: single nucleotide variant.
Coding change: c.568A>G on transcript NM_001303052.2 (MANE Select); coding-DNA position 568, A replaced by G.
Protein change: p.Asn190Asp; replaces asparagine 190 with aspartic acid.
Molecular consequence: missense variant.
Genome position (GRCh38, 1-based): chr2:1,923,201, T>C on the plus strand (A>G on the coding strand, the complement: MYT1L is on the minus strand). VCF-style: chr2-1923201-T-C. GRCh37 (hg19) VCF-style: chr2-1926973-T-C.
Other names: c.568A>G, p.Asn190Asp (NM_001329844.2, NM_001329845.1, NM_001329846.3 and 6 more transcripts); short protein forms N190D.
Identifiers: ClinVar variation 1008326 (VCV001008326.8), dbSNP rs1164310970, ClinGen allele CA345707737.